The following is an entry in ClinVar:

NM_004329.3(BMPR1A):c.1267C>G (p.Gln423Glu)

Gene: BMPR1A (bone morphogenetic protein receptor type 1A; plus strand). Cytogenetic location: 10q23.2.
Variant type: single nucleotide variant.
Coding change: c.1267C>G on transcript NM_004329.3 (MANE Select); coding-DNA position 1267, C replaced by G.
Protein change: p.Gln423Glu; replaces glutamine 423 with glutamic acid.
Molecular consequence: missense variant. On other transcripts: non-coding transcript variant (3).
Genome position (GRCh38, 1-based): chr10:86,921,620, C>G. VCF-style: chr10-86921620-C-G. GRCh37 (hg19) VCF-style: chr10-88681377-C-G.
Other names: c.1267C>G, p.Gln423Glu (NM_001406569.1, NM_001406570.1, NM_001406571.1 and 19 more transcripts); c.1342C>G, p.Gln448Glu (NM_001406559.1); c.1315C>G, p.Gln439Glu (NM_001406560.1); c.1261C>G, p.Gln421Glu (NM_001406583.1); c.1183C>G, p.Gln395Glu (NM_001406584.1, NM_001406585.1, NM_001406586.1 and 2 more transcripts); c.925C>G, p.Gln309Glu (NM_001406589.1); short protein forms Q395E, Q423E, Q439E, Q448E, Q309E, Q421E.
Identifiers: ClinVar variation 5033049 (VCV005033049.1).

ClinVar aggregate classification (germline): Uncertain significance (1 of 4 stars; one submission).

Conditions:
Hereditary cancer-predisposing syndrome. Also called: Neoplastic Syndromes, Hereditary; Tumor predisposition; Hereditary neoplastic syndrome; Hereditary Cancer Syndrome. Identifiers: Orphanet 140162, MedGen C0027672, MeSH D009386, MONDO:0015356.

Submission:

Ambry Genetics
Classification: Uncertain significance for Hereditary cancer-predisposing syndrome. Last evaluated: 2026-09-12. Review status: criteria provided, single submitter. Criteria: Ambry Variant Classification Scheme 2023. Collection method: clinical testing. Allele origin: germline.
Comment: The p.Q423E variant (also known as c.1267C>G), located in coding exon 9 of the BMPR1A gene, results from a C to G substitution at nucleotide position 1267. The glutamine at codon 423 is replaced by glutamic acid, an amino acid with highly similar properties. This amino acid position is conserved. In addition, this alteration is predicted to be tolerated by in silico analysis. Based on the available evidence, the clinical significance of this variant remains unclear.